The following is an entry in ClinVar:

NM_024589.3(ROGDI):c.327G>T (p.Lys109Asn)

Gene: ROGDI (rogdi atypical leucine zipper; minus strand). Cytogenetic location: 16p13.3.
Variant type: single nucleotide variant.
Coding change: c.327G>T on transcript NM_024589.3 (MANE Select); coding-DNA position 327, G replaced by T.
Protein change: p.Lys109Asn; replaces lysine 109 with asparagine.
Molecular consequence: missense variant. On other transcripts: non-coding transcript variant (1).
Genome position (GRCh38, 1-based): chr16:4,800,507, C>A on the plus strand (G>T on the coding strand, the complement: ROGDI is on the minus strand). VCF-style: chr16-4800507-C-A. GRCh37 (hg19) VCF-style: chr16-4850508-C-A.
Other names: short protein forms K109N.
Identifiers: ClinVar variation 1054281 (VCV001054281.4), dbSNP rs888611327, ClinGen allele CA277138677.

ClinVar aggregate classification (germline): Uncertain significance (1 of 4 stars; one submission).

Conditions:
Amelocerebrohypohidrotic syndrome (KTZS). Also called: Kohlschutter's syndrome; EPILEPSY AND YELLOW TEETH; EPILEPSY, DEMENTIA, AND AMELOGENESIS IMPERFECTA; KOHLSCHUTTER SYNDROME. Identifiers: Orphanet 1946, MedGen C0406740, MONDO:0009185, OMIM 226750.

gnomAD v4.1: 14 of 1,556,094 alleles (0.0009%); highest among the groups gnomAD compares: African/African-American, 0.018%; no homozygotes.

Submission:

Labcorp Genetics (formerly Invitae), Labcorp
Classification: Uncertain significance for Amelocerebrohypohidrotic syndrome. Last evaluated: 2022-07-12. Review status: criteria provided, single submitter. Criteria: Invitae Variant Classification Sherloc (09022015). Collection method: clinical testing. Allele origin: germline.
Comment: This sequence change replaces lysine, which is basic and polar, with asparagine, which is neutral and polar, at codon 109 of the ROGDI protein (p.Lys109Asn). The frequency data for this variant in the population databases is considered unreliable, as metrics indicate poor data quality at this position in the gnomAD database. This variant has not been reported in the literature in individuals affected with ROGDI-related conditions. ClinVar contains an entry for this variant (Variation ID: 1054281). Algorithms developed to predict the effect of missense changes on protein structure and function (SIFT, PolyPhen-2, Align-GVGD) all suggest that this variant is likely to be disruptive. In summary, the available evidence is currently insufficient to determine the role of this variant in disease. Therefore, it has been classified as a Variant of Uncertain Significance.